The following is an entry in ClinVar:

NM_030773.4(TUBB1):c.278G>A (p.Gly93Asp)

Gene: TUBB1 (tubulin beta 1 class VI; plus strand). Cytogenetic location: 20q13.32.
Variant type: single nucleotide variant.
Coding change: c.278G>A on transcript NM_030773.4 (MANE Select); coding-DNA position 278, G replaced by A.
Protein change: p.Gly93Asp; replaces glycine 93 with aspartic acid.
Molecular consequence: missense variant.
Genome position (GRCh38, 1-based): chr20:59,023,705, G>A. VCF-style: chr20-59023705-G-A. GRCh37 (hg19) VCF-style: chr20-57598760-G-A.
Other names: short protein forms G93D.
Identifiers: ClinVar variation 3722570 (VCV003722570.2).

ClinVar aggregate classification (germline): Uncertain significance (1 of 4 stars; one submission).

Submission:

Labcorp Genetics (formerly Invitae), Labcorp
Classification: Uncertain significance. Last evaluated: 2024-10-09. Review status: criteria provided, single submitter. Criteria: Invitae Variant Classification Sherloc (09022015). Collection method: clinical testing. Allele origin: germline.
Comment: This sequence change replaces glycine, which is neutral and non-polar, with aspartic acid, which is acidic and polar, at codon 93 of the TUBB1 protein (p.Gly93Asp). This variant is not present in population databases (gnomAD no frequency). This variant has not been reported in the literature in individuals affected with TUBB1-related conditions. An algorithm developed to predict the effect of missense changes on protein structure and function (PolyPhen-2) suggests that this variant is likely to be disruptive. In summary, the available evidence is currently insufficient to determine the role of this variant in disease. Therefore, it has been classified as a Variant of Uncertain Significance.